The following is an entry in ClinVar:

NM_000038.6(APC):c.1307A>G (p.Asn436Ser)

Gene: APC (APC regulator of Wnt signaling pathway; plus strand). Cytogenetic location: 5q22.2.
Variant type: single nucleotide variant.
Coding change: c.1307A>G on transcript NM_000038.6 (MANE Select); coding-DNA position 1307, A replaced by G.
Protein change: p.Asn436Ser; replaces asparagine 436 with serine.
Molecular consequence: missense variant.
Genome position (GRCh38, 1-based): chr5:112,819,339, A>G. VCF-style: chr5-112819339-A-G. GRCh37 (hg19) VCF-style: chr5-112155036-A-G.
Other names: c.1307A>G, p.Asn436Ser (NM_001127510.3, NM_001354895.2, NM_001354896.2); c.1253A>G, p.Asn418Ser (NM_001127511.3); c.1337A>G, p.Asn446Ser (NM_001354897.2); c.1232A>G, p.Asn411Ser (NM_001354898.2); c.1223A>G, p.Asn408Ser (NM_001354899.2); c.1130A>G, p.Asn377Ser (NM_001354900.2, NM_001354901.2); c.1034A>G, p.Asn345Ser (NM_001354902.2); c.1004A>G, p.Asn335Ser (NM_001354903.2); and 3 more; short protein forms N153S, N276S, N310S, N335S, N345S, N377S, N408S, N411S.
Identifiers: ClinVar variation 1023527 (VCV001023527.12), dbSNP rs876658856, ClinGen allele CA16024169.

ClinVar aggregate classification (germline): Uncertain significance. Review status: criteria provided, multiple submitters, no conflicts (2 of 4 stars). 3 submissions from 3 submitters: Uncertain significance (3). Last evaluated 2025-10-11.

Conditions:
Hereditary cancer-predisposing syndrome. Also called: Hereditary Cancer Syndrome; Neoplastic Syndromes, Hereditary; Tumor predisposition; Hereditary neoplastic syndrome. Identifiers: Orphanet 140162, MedGen C0027672, MeSH D009386, MONDO:0015356.
Familial adenomatous polyposis 1 (FAP1). Also called: POLYPOSIS, ADENOMATOUS INTESTINAL; FAMILIAL ADENOMATOUS POLYPOSIS 1, ATTENUATED. Identifiers: MedGen C2713442, MONDO:0021056, OMIM 175100. Disease mechanism: loss of function.

Submissions (3):

Ambry Genetics
Classification: Uncertain significance for Hereditary cancer-predisposing syndrome. Last evaluated: 2025-10-11. Review status: criteria provided, single submitter. Criteria: Ambry Variant Classification Scheme 2023. Collection method: clinical testing. Allele origin: germline.
Comment: The p.N436S variant (also known as c.1307A>G), located in coding exon 9 of the APC gene, results from an A to G substitution at nucleotide position 1307. The asparagine at codon 436 is replaced by serine, an amino acid with highly similar properties. This amino acid position is conserved. In addition, in silico predictors for this gene do not accurately predict pathogenicity. Based on the available evidence, the clinical significance of this variant remains unclear.

Labcorp Genetics (formerly Invitae), Labcorp
Classification: Uncertain significance for Familial adenomatous polyposis 1. Last evaluated: 2024-04-02. Review status: criteria provided, single submitter. Criteria: Invitae Variant Classification Sherloc (09022015). Collection method: clinical testing. Allele origin: germline.
Comment: This sequence change replaces asparagine, which is neutral and polar, with serine, which is neutral and polar, at codon 436 of the APC protein (p.Asn436Ser). This variant is not present in population databases (gnomAD no frequency). This variant has not been reported in the literature in individuals affected with APC-related conditions. ClinVar contains an entry for this variant (Variation ID: 1023527). Advanced modeling of protein sequence and biophysical properties (such as structural, functional, and spatial information, amino acid conservation, physicochemical variation, residue mobility, and thermodynamic stability) performed at Invitae indicates that this missense variant is not expected to disrupt APC protein function with a negative predictive value of 95%. In summary, the available evidence is currently insufficient to determine the role of this variant in disease. Therefore, it has been classified as a Variant of Uncertain Significance.

Quest Diagnostics Nichols Institute San Juan Capistrano
Classification: Uncertain significance. Last evaluated: 2021-04-08. Review status: criteria provided, single submitter. Criteria: Quest Diagnostics criteria. Collection method: clinical testing. Allele origin: unknown.